The following is an entry in ClinVar:

NM_004092.4(ECHS1):c.286+8C>T

Gene: ECHS1 (enoyl-CoA hydratase, short chain 1; minus strand). Cytogenetic location: 10q26.3.
Variant type: single nucleotide variant.
Coding change: c.286+8C>T on transcript NM_004092.4 (MANE Select); 8 bases into the intron after coding-DNA position 286, C replaced by T.
Molecular consequence: intron variant.
Genome position (GRCh38, 1-based): chr10:133,370,552, G>A on the plus strand (C>T on the coding strand, the complement: ECHS1 is on the minus strand). VCF-style: chr10-133370552-G-A. GRCh37 (hg19) VCF-style: chr10-135184056-G-A.
Other names: p.?.
Identifiers: ClinVar variation 381856 (VCV000381856.11), dbSNP rs189727187, ClinGen allele CA5765828.

ClinVar aggregate classification (germline): Benign. Review status: criteria provided, multiple submitters, no conflicts (2 of 4 stars). 5 submissions from 5 submitters: Benign (5). Last evaluated 2026-02-03.

Conditions:
Mitochondrial short-chain Enoyl-Coa hydratase 1 deficiency. Also called: PxMD-ECHS1; ECHS1 deficiency; Mitochondrial Short-Chain Enoyl-CoA Hydratase Deficiency. Identifiers: Orphanet 255241, Orphanet 653880, MedGen C4225391, MONDO:0014563, OMIM 616277.

Allele frequency attached by ClinVar (database versions not stated): 1000 Genomes Project 0.00759; ESP Exome Variant Server 0.01398; 1000 Genomes Project 30x 0.00781; TOPMed 0.01171; gnomAD 0.01192 and 0.01158; ExAC 0.04119; gnomAD exomes 0.01459.
gnomAD v4.1: 27,046 of 1,542,764 alleles (1.8%); highest among the groups gnomAD compares: South Asian, 2.2%; 288 homozygotes.

Submissions (5):

Labcorp Genetics (formerly Invitae), Labcorp
Classification: Benign. Last evaluated: 2026-02-03. Review status: criteria provided, single submitter. Criteria: Invitae Variant Classification Sherloc (09022015). Collection method: clinical testing. Allele origin: germline.

ARUP Laboratories, Molecular Genetics and Genomics, ARUP Laboratories
Classification: Benign for Mitochondrial short-chain Enoyl-Coa hydratase 1 deficiency. Last evaluated: 2023-09-08. Review status: criteria provided, single submitter. Criteria: ARUP Molecular Germline Variant Investigation Process 2024. Collection method: clinical testing. Allele origin: germline.

Mayo Clinic Laboratories, Mayo Clinic
Classification: Benign. Last evaluated: 2023-08-30. Review status: criteria provided, single submitter. Criteria: ACMG Guidelines, 2015. Collection method: clinical testing. Allele origin: germline. Observed: 2 variant alleles.
Comment: BA1, BP4, BP7

GeneDx
Classification: Benign. Last evaluated: 2016-02-22. Review status: criteria provided, single submitter. Criteria: GeneDx Variant Classification (06012015). Collection method: clinical testing. Allele origin: germline. Affected: yes.
Comment: This variant is considered likely benign or benign based on one or more of the following criteria: it is a conservative change, it occurs at a poorly conserved position in the protein, it is predicted to be benign by multiple in silico algorithms, and/or has population frequency not consistent with disease.

Breakthrough Genomics
Classification: Benign. Review status: criteria provided, single submitter. Criteria: ACMG Guidelines, 2015. Collection method: not provided. Allele origin: germline. Inheritance: Autosomal recessive inheritance. Affected: yes.